The following is an entry in ClinVar:

ClinVar aggregate classification (germline): Uncertain significance. Review status: criteria provided, multiple submitters, no conflicts (2 of 4 stars). 3 submissions from 3 submitters: Uncertain significance (3). Last evaluated 2026-04-20.

Conditions:
NIK deficiency. Also called: Primary immunodeficiency with multifaceted aberrant lymphoid immunity. Identifiers: Orphanet 447731, MedGen C5680065, MONDO:0018642.

Allele frequency attached by ClinVar (database versions not stated): ExAC 0.00007; gnomAD 0.00015 and 0.00016; TOPMed 0.00020.
gnomAD v4.1: 147 of 1,614,058 alleles (0.0091%); highest among the groups gnomAD compares: African/African-American, 0.044%; no homozygotes.

Submissions (3):

Women's Health and Genetics/Laboratory Corporation of America, LabCorp
Classification: Uncertain significance. Last evaluated: 2026-04-20. Review status: criteria provided, single submitter. Criteria: LabCorp Variant Classification Summary - May 2015. Collection method: clinical testing. Allele origin: germline.

Labcorp Genetics (formerly Invitae), Labcorp
Classification: Uncertain significance for NIK deficiency. Last evaluated: 2025-07-09. Review status: criteria provided, single submitter. Criteria: Invitae Variant Classification Sherloc (09022015). Collection method: clinical testing. Allele origin: germline.
Comment: This sequence change replaces arginine, which is basic and polar, with histidine, which is basic and polar, at codon 131 of the MAP3K14 protein (p.Arg131His). This variant is present in population databases (rs368399230, gnomAD 0.05%). This variant has not been reported in the literature in individuals affected with MAP3K14-related conditions. ClinVar contains an entry for this variant (Variation ID: 936590). An algorithm developed to predict the effect of missense changes on protein structure and function outputs the following: PolyPhen-2: "Not Available". The histidine amino acid residue is found in multiple mammalian species, which suggests that this missense change does not adversely affect protein function. In summary, the available evidence is currently insufficient to determine the role of this variant in disease. Therefore, it has been classified as a Variant of Uncertain Significance.

Blueprint Genetics
Classification: Uncertain significance. Last evaluated: 2024-11-05. Review status: criteria provided, single submitter. Criteria: ACMG Guidelines, 2015. Collection method: clinical testing. Allele origin: germline.

NM_003954.5(MAP3K14):c.392G>A (p.Arg131His)

Gene: MAP3K14 (mitogen-activated protein kinase kinase kinase 14; minus strand). Cytogenetic location: 17q21.31.
Variant type: single nucleotide variant.
Coding change: c.392G>A on transcript NM_003954.5 (MANE Select); coding-DNA position 392, G replaced by A.
Protein change: p.Arg131His; replaces arginine 131 with histidine.
Molecular consequence: missense variant.
Genome position (GRCh38, 1-based): chr17:45,287,299, C>T on the plus strand (G>A on the coding strand, the complement: MAP3K14 is on the minus strand). VCF-style: chr17-45287299-C-T. GRCh37 (hg19) VCF-style: chr17-43364665-C-T.
Other names: short protein forms R131H.
Identifiers: ClinVar variation 936590 (VCV000936590.7), dbSNP rs368399230, ClinGen allele CA8614366.